The following is an entry in ClinVar:

NM_152641.4(ARID2):c.1715G>A (p.Arg572Lys)

Gene: ARID2 (AT-rich interaction domain 2; plus strand). Cytogenetic location: 12q12.
Variant type: single nucleotide variant.
Coding change: c.1715G>A on transcript NM_152641.4 (MANE Select); coding-DNA position 1715, G replaced by A.
Protein change: p.Arg572Lys; replaces arginine 572 with lysine.
Molecular consequence: missense variant.
Genome position (GRCh38, 1-based): chr12:45,848,970, G>A. VCF-style: chr12-45848970-G-A. GRCh37 (hg19) VCF-style: chr12-46242753-G-A.
Other names: c.1715G>A, p.Arg572Lys (NM_001347839.2); short protein forms R572K.
Identifiers: ClinVar variation 3774557 (VCV003774557.1).

ClinVar aggregate classification (germline): Uncertain significance (1 of 4 stars; one submission).

Conditions:
Coffin-Siris syndrome 6. Identifiers: MedGen C4540499, MONDO:0033492, OMIM 617808.

Submission:

MVZ Medizinische Genetik Mainz
Classification: Uncertain significance for Coffin-Siris syndrome 6. Last evaluated: 2025-03-14. Review status: criteria provided, single submitter. Criteria: UK Practice Guidelines For Variant Classification V4 01 2020. Collection method: clinical testing. Allele origin: germline. Inheritance: Autosomal dominant inheritance. Affected: yes. Observed: 1 variant allele.
Comment: ACMG Criteria: PM2_SUP,PP3